The following is an entry in ClinVar:

ClinVar aggregate classification (germline): Uncertain significance (1 of 4 stars; one submission).

Conditions:
Duchenne muscular dystrophy (DMD). Also called: Duchenne Muscular Dystrophy (DMD); MUSCULAR DYSTROPHY, PSEUDOHYPERTROPHIC PROGRESSIVE, DUCHENNE TYPE. Identifiers: Orphanet 98896, MedGen C0013264, MONDO:0010679, OMIM 310200.

gnomAD v4.1: 1 of 1,207,159 alleles (0.000083%); highest among the groups gnomAD compares: Non-Finnish European, 0.00011%; no homozygotes.

Submission:

Labcorp Genetics (formerly Invitae), Labcorp
Classification: Uncertain significance for Duchenne muscular dystrophy. Last evaluated: 2025-02-12. Review status: criteria provided, single submitter. Criteria: Invitae Variant Classification Sherloc (09022015). Collection method: clinical testing. Allele origin: germline.
Comment: This sequence change replaces asparagine, which is neutral and polar, with aspartic acid, which is acidic and polar, at codon 1787 of the DMD protein (p.Asn1787Asp). This variant is not present in population databases (gnomAD no frequency). This variant has not been reported in the literature in individuals affected with DMD-related conditions. Invitae Evidence Modeling of protein sequence and biophysical properties (such as structural, functional, and spatial information, amino acid conservation, physicochemical variation, residue mobility, and thermodynamic stability) indicates that this missense variant is not expected to disrupt DMD protein function with a negative predictive value of 95%. In summary, the available evidence is currently insufficient to determine the role of this variant in disease. Therefore, it has been classified as a Variant of Uncertain Significance.

NM_004006.3(DMD):c.5359A>G (p.Asn1787Asp)

Gene: DMD (dystrophin; minus strand). Cytogenetic location: Xp21.1.
Variant type: single nucleotide variant.
Coding change: c.5359A>G on transcript NM_004006.3 (MANE Select); coding-DNA position 5359, A replaced by G.
Protein change: p.Asn1787Asp; replaces asparagine 1787 with aspartic acid.
Molecular consequence: missense variant.
Genome position (GRCh38, 1-based): chrX:32,348,495, T>C on the plus strand (A>G on the coding strand, the complement: DMD is on the minus strand). VCF-style: chrX-32348495-T-C. GRCh37 (hg19) VCF-style: chrX-32366612-T-C.
Other names: c.5335A>G, p.Asn1779Asp (NM_000109.4); c.5347A>G, p.Asn1783Asp (NM_004009.3); c.4990A>G, p.Asn1664Asp (NM_004010.3); c.1336A>G, p.Asn446Asp (NM_004011.4); c.1327A>G, p.Asn443Asp (NM_004012.4); short protein forms N1664D, N1779D, N1783D, N1787D, N443D, N446D.
Identifiers: ClinVar variation 4805686 (VCV004805686.1).
Genomic context (GRCh38, chrX:32,348,495, plus strand): 5'-GATTCACCCCCTGCTGAATTTCAGCCTCCAGTGGTTCAAGCAATTTTTGTATATCTGAGT[T>C]AAACTGCTCCAATTCCTTCAAAGGAATGGAGGCCTAAAAAAAAAGATAGTGCTACTTTAA-3'
Protein context (NP_003997.2, residues 1777-1797): SIPLKELEQF[Asn1787Asp]SDIQKLLEPL